The following is an entry in ClinVar:

NM_206933.4(USH2A):c.3649G>A (p.Asp1217Asn)

Genes: USH2A (usherin; minus strand), USH2A-AS1 (USH2A antisense RNA 1; plus strand). Cytogenetic location: 1q41.
Variant type: single nucleotide variant.
Coding change: c.3649G>A on transcript NM_206933.4 (MANE Select); coding-DNA position 3649, G replaced by A.
Protein change: p.Asp1217Asn; replaces aspartic acid 1217 with asparagine.
Molecular consequence: missense variant.
Genome position (GRCh38, 1-based): chr1:216,199,789, C>T on the plus strand (G>A on the coding strand, the complement: USH2A is on the minus strand). VCF-style: chr1-216199789-C-T. GRCh37 (hg19) VCF-style: chr1-216373131-C-T.
Other names: c.3649G>A, p.Asp1217Asn (NM_007123.6); short protein forms D1217N.
Identifiers: ClinVar variation 91896 (VCV000091896.11), dbSNP rs202247801, ClinGen allele CA1395950.

ClinVar aggregate classification (germline): Uncertain significance. Review status: criteria provided, multiple submitters, no conflicts (2 of 4 stars). 6 submissions from 5 submitters: Uncertain significance (4). 2 of the submissions do not count toward it. Last evaluated 2023-11-04.

Conditions:
Usher syndrome type 2A. Also called: USHER SYNDROME, TYPE IIA; RETINAL DISEASE IN USHER SYNDROME TYPE IIA, MODIFIER OF. Identifiers: Orphanet 231178, Orphanet 886, MedGen C1848634, MONDO:0010169, OMIM 276901.
Retinitis pigmentosa 39 (RP39). Identifiers: Orphanet 791, MedGen C3151138, MONDO:0013436, OMIM 613809.

Allele frequency attached by ClinVar (database versions not stated): gnomAD exomes 0.00001; ExAC 0.00002; TOPMed 0.00002.
gnomAD v4.1: 25 of 1,613,996 alleles (0.0015%); highest among the groups gnomAD compares: South Asian, 0.011%; no homozygotes.

Submissions (6):

Genome-Nilou Lab
Classification: Uncertain significance for Retinitis pigmentosa 39. Last evaluated: 2023-11-04. Review status: criteria provided, single submitter. Criteria: ACMG Guidelines, 2015. Collection method: clinical testing. Allele origin: germline. Affected: no.

Genome-Nilou Lab
Classification: Uncertain significance for Usher syndrome type 2A. Last evaluated: 2023-11-04. Review status: criteria provided, single submitter. Criteria: ACMG Guidelines, 2015. Collection method: clinical testing. Allele origin: germline. Affected: no.

Labcorp Genetics (formerly Invitae), Labcorp
Classification: Uncertain significance. Last evaluated: 2022-08-09. Review status: criteria provided, single submitter. Criteria: Invitae Variant Classification Sherloc (09022015). Collection method: clinical testing. Allele origin: germline.
Comment: This sequence change replaces aspartic acid, which is acidic and polar, with asparagine, which is neutral and polar, at codon 1217 of the USH2A protein (p.Asp1217Asn). This variant is present in population databases (rs202247801, gnomAD 0.003%). This variant has not been reported in the literature in individuals affected with USH2A-related conditions. ClinVar contains an entry for this variant (Variation ID: 91896). Algorithms developed to predict the effect of missense changes on protein structure and function output the following: SIFT: "Tolerated"; PolyPhen-2: "Benign"; Align-GVGD: "Class C0". The asparagine amino acid residue is found in multiple mammalian species, which suggests that this missense change does not adversely affect protein function. In summary, the available evidence is currently insufficient to determine the role of this variant in disease. Therefore, it has been classified as a Variant of Uncertain Significance.

Laboratory for Molecular Medicine, Mass General Brigham Personalized Medicine
Classification: Uncertain significance. Last evaluated: 2015-05-03. Review status: criteria provided, single submitter. Criteria: LMM Criteria. Collection method: clinical testing. Allele origin: germline. Observed: 1 variant allele.
Comment: Variant classified as Uncertain Significance - Favor Benign. The p.Asp1217Asn va riant in USH2A has not been previously reported in individuals with hearing loss , but has been identified in 1/66726 European chromosomes and 1/16512 South Asia n chromosomes by the Exome Aggregation Consortium (ExAC; dbSNP rs202247801). The aspartic acid (Asp) at position 1217 is not con served through species, with 2 mammals (gibbon and platypus) having an asparagin e (Asn) at this position. Additional computational prediction tools suggest that this variant may not impact the protein, though this information is not predict ive enough to rule out pathogenicity. In summary, while the clinical significanc e of the p.Asp1217Asn variant is uncertain, the lack of evolutionary conservatio n suggests that it is more likely to be benign.

Natera, Inc.
Classification: Uncertain significance for Usher syndrome type 2A. Last evaluated: 2020-03-02. Review status: no assertion criteria provided. Collection method: clinical testing. Allele origin: germline. Not counted in ClinVar's aggregate classification.

Counsyl
Classification: Uncertain significance for Usher syndrome type 2A; Retinitis pigmentosa 39. Last evaluated: 2017-10-30. Review status: no assertion criteria provided. Collection method: clinical testing. Allele origin: unknown. Not counted in ClinVar's aggregate classification.